The following is an entry in ClinVar:

ClinVar aggregate classification (germline): Uncertain significance (1 of 4 stars; one submission).

Submission:

Labcorp Genetics (formerly Invitae), Labcorp
Classification: Uncertain significance. Last evaluated: 2022-05-04. Review status: criteria provided, single submitter. Criteria: Invitae Variant Classification Sherloc (09022015). Collection method: clinical testing. Allele origin: germline.
Comment: In summary, the available evidence is currently insufficient to determine the role of this variant in disease. Therefore, it has been classified as a Variant of Uncertain Significance. Algorithms developed to predict the effect of missense changes on protein structure and function are either unavailable or do not agree on the potential impact of this missense change (SIFT: "Deleterious"; PolyPhen-2: "Probably Damaging"; Align-GVGD: "Class C15"). This variant has not been reported in the literature in individuals affected with ADAMTSL4-related conditions. This variant is not present in population databases (gnomAD no frequency). This sequence change replaces glutamine, which is neutral and polar, with histidine, which is basic and polar, at codon 1023 of the ADAMTSL4 protein (p.Gln1023His).

NM_019032.6(ADAMTSL4):c.3069A>T (p.Gln1023His)

Genes: ADAMTSL4 (ADAMTS like 4; plus strand), LOC129931410 (ATAC-STARR-seq lymphoblastoid active region 1691; plus strand). Cytogenetic location: 1q21.2.
Variant type: single nucleotide variant.
Coding change: c.3069A>T on transcript NM_019032.6 (MANE Select); coding-DNA position 3069, A replaced by T.
Protein change: p.Gln1023His; replaces glutamine 1023 with histidine.
Molecular consequence: missense variant.
Genome position (GRCh38, 1-based): chr1:150,559,886, A>T. VCF-style: chr1-150559886-A-T. GRCh37 (hg19) VCF-style: chr1-150532362-A-T.
Other names: c.2952A>T, p.Gln984His (NM_001288607.2); c.3138A>T, p.Gln1046His (NM_001288608.2); c.3069A>T, p.Gln1023His (NM_001378596.1); short protein forms Q984H, Q1023H, Q1046H.
Identifiers: ClinVar variation 2133575 (VCV002133575.4), dbSNP rs2526797157, ClinGen allele CA342318925.